The following is an entry in ClinVar:

NM_004304.5(ALK):c.1139C>G (p.Thr380Ser)

Gene: ALK (ALK receptor tyrosine kinase; minus strand). Cytogenetic location: 2p23.2.
Variant type: single nucleotide variant.
Coding change: c.1139C>G on transcript NM_004304.5 (MANE Select); coding-DNA position 1139, C replaced by G.
Protein change: p.Thr380Ser; replaces threonine 380 with serine.
Molecular consequence: missense variant.
Genome position (GRCh38, 1-based): chr2:29,531,930, G>C on the plus strand (C>G on the coding strand, the complement: ALK is on the minus strand). VCF-style: chr2-29531930-G-C. GRCh37 (hg19) VCF-style: chr2-29754796-G-C.
Other names: short protein forms T380S.
Identifiers: ClinVar variation 1350680 (VCV001350680.8), dbSNP rs2148158461, ClinGen allele CA346587192.
Genomic context (GRCh38, chr2:29,531,930, plus strand): 5'-AATCACCTGGTATAAAATCAATTTTGGACATGGAGAAGTACTTACCCATGCTTCCCTGGA[G>C]TGGGCATCAGGAGGATCTCTCTTGCAGCCTCGTTGTGGGGCAGCAGCTGGGCAATGTACC-3'
Protein context (NP_004295.2, residues 370-390): EAAREILLMP[Thr380Ser]PGKHGWTVLQ

ClinVar aggregate classification (germline): Uncertain significance (1 of 4 stars; one submission).

Conditions:
Neuroblastoma, susceptibility to, 3. Also called: ALK-Related Neuroblastic Tumor Susceptibility. Identifiers: Orphanet 635, MedGen C2751681, MONDO:0013083, OMIM 613014.

Submission:

Labcorp Genetics (formerly Invitae), Labcorp
Classification: Uncertain significance for Neuroblastoma, susceptibility to, 3. Last evaluated: 2021-05-02. Review status: criteria provided, single submitter. Criteria: Invitae Variant Classification Sherloc (09022015). Collection method: clinical testing. Allele origin: germline.
Comment: Algorithms developed to predict the effect of sequence changes on RNA splicing suggest that this variant may create or strengthen a splice site, but this prediction has not been confirmed by published transcriptional studies. This sequence change replaces threonine with serine at codon 380 of the ALK protein (p.Thr380Ser). The threonine residue is moderately conserved and there is a small physicochemical difference between threonine and serine. This variant is not present in population databases (ExAC no frequency). This variant has not been reported in the literature in individuals with ALK-related conditions. Algorithms developed to predict the effect of missense changes on protein structure and function output the following: SIFT: "Tolerated"; PolyPhen-2: "Benign"; Align-GVGD: "Class C0". The serine amino acid residue is found in multiple mammalian species, suggesting that this missense change does not adversely affect protein function. These predictions have not been confirmed by published functional studies and their clinical significance is uncertain. In summary, the available evidence is currently insufficient to determine the role of this variant in disease. Therefore, it has been classified as a Variant of Uncertain Significance.